The following is an entry in ClinVar:

ClinVar aggregate classification (germline): Pathogenic. Review status: reviewed by expert panel (3 of 4 stars). 9 submissions from 9 submitters: Pathogenic (1). 8 of the submissions do not count toward it. Last evaluated 2016-09-08.

Conditions:
Hereditary cancer-predisposing syndrome. Also called: Tumor predisposition; Hereditary Cancer Syndrome; Hereditary neoplastic syndrome; Neoplastic Syndromes, Hereditary. Identifiers: Orphanet 140162, MedGen C0027672, MeSH D009386, MONDO:0015356.
Hereditary breast ovarian cancer syndrome. Also called: Breast and ovarian cancer; Hereditary breast and ovarian cancer syndrome; Hereditary breast and ovarian cancer; BRCA1- and BRCA2-Associated Hereditary Breast and Ovarian Cancer; Hereditary breast and ovarian cancer syndrome (HBOC); Hereditary breast and/or ovarian cancer syndrome. Identifiers: Orphanet 145, MedGen C0677776, MeSH D061325, MONDO:0003582. Disease mechanism: loss of function.
Breast-ovarian cancer, familial, susceptibility to, 2 (BROVCA2). Also called: BRCA2 Hereditary Breast and Ovarian Cancer. Identifiers: Orphanet 145, MedGen C2675520, MONDO:0012933, OMIM 612555. Disease mechanism: loss of function.

Submissions (9):

Evidence-based Network for the Interpretation of Germline Mutant Alleles (ENIGMA)
Classification: Pathogenic for Breast-ovarian cancer, familial, susceptibility to, 2. Last evaluated: 2016-09-08. Review status: reviewed by expert panel. Criteria: ENIGMA BRCA1/2 Classification Criteria (2015). Collection method: curation. Allele origin: germline.
Comment: Variant allele predicted to encode a truncated non-functional protein.

Quest Diagnostics Nichols Institute San Juan Capistrano
Classification: Pathogenic. Last evaluated: 2025-07-02. Review status: criteria provided, single submitter. Criteria: Quest Diagnostics criteria. Collection method: clinical testing. Allele origin: unknown. Not counted in ClinVar's aggregate classification.
Comment: The BRCA2 c.5934dup (p.Ser1979*) variant causes the premature termination of BRCA2 protein synthesis. This variant has been reported in the published literature in an individual with breast cancer (PMID: 27553368 (2016)), as well as in an individual with pancreatic cancer (PMID: 8968085 (1996)). This variant has not been reported in large, multi-ethnic general populations (Genome Aggregation Database). Based on the available information, this variant is classified as pathogenic.

Labcorp Genetics (formerly Invitae), Labcorp
Classification: Pathogenic for Hereditary breast ovarian cancer syndrome. Last evaluated: 2025-05-22. Review status: criteria provided, single submitter. Criteria: Invitae Variant Classification Sherloc (09022015). Collection method: clinical testing. Allele origin: germline. Not counted in ClinVar's aggregate classification.
Comment: This sequence change creates a premature translational stop signal (p.Ser1979*) in the BRCA2 gene. It is expected to result in an absent or disrupted protein product. Loss-of-function variants in BRCA2 are known to be pathogenic (PMID: 20104584). This variant is not present in population databases (gnomAD no frequency). This premature translational stop signal has been observed in individual(s) with pancreatic cancer (PMID: 8968085). ClinVar contains an entry for this variant (Variation ID: 184841). For these reasons, this variant has been classified as Pathogenic.

Ambry Genetics
Classification: Pathogenic for Hereditary cancer-predisposing syndrome. Last evaluated: 2023-12-05. Review status: criteria provided, single submitter. Criteria: Ambry Variant Classification Scheme 2023. Collection method: clinical testing. Allele origin: germline. Not counted in ClinVar's aggregate classification.
Comment: The c.5934dupT pathogenic mutation, located in coding exon 10 of the BRCA2 gene, results from a duplication of T at nucleotide position 5934, causing a translational frameshift with a predicted alternate stop codon (p.S1979*). This has been reported as a germline mutation in one individual diagnosed with sporadic pancreatic carcinoma. Tumor analysis showed this alteration in normal tissue but there was no loss of heterozygosity in the tumor (Goggins M et al. Cancer Res. 1996 Dec 1;56(23):5360-4). Additionally, this alteration was identified in a large, worldwide study of BRCA1/2 mutation positive families (Rebbeck TR et al. Hum. Mutat., 2018 05;39:593-620) and in a family referred for multi-gene panel testing in Portugal (Pinto P et al. Breast Cancer Res. Treat., 2016 Sep;159:245-56). This alteration is also designated as 6158insT in published literature. In addition to the clinical data presented in the literature, this alteration is expected to result in loss of function by premature protein truncation or nonsense-mediated mRNA decay. As such, this alteration is interpreted as a disease-causing mutation.

GeneDx
Classification: Pathogenic. Last evaluated: 2022-10-07. Review status: criteria provided, single submitter. Criteria: GeneDx Variant Classification Process June 2021. Collection method: clinical testing. Allele origin: germline. Affected: yes. Not counted in ClinVar's aggregate classification.
Comment: Nonsense variant predicted to result in protein truncation or nonsense mediated decay in a gene for which loss of function is a known mechanism of disease; Not observed at significant frequency in large population cohorts (gnomAD); Observed in an individual with pancreatic cancer (Goggins et al., 1996); Truncating variants in this gene are considered pathogenic by a well-established clinical consortium and/or database; Also known as 6158insT and 6162dup; This variant is associated with the following publications: (PMID: 8968085)

Color Diagnostics, LLC DBA Color Health
Classification: Pathogenic for Hereditary cancer-predisposing syndrome. Last evaluated: 2021-07-16. Review status: criteria provided, single submitter. Criteria: ACMG Guidelines, 2015. Collection method: clinical testing. Allele origin: germline. Not counted in ClinVar's aggregate classification.
Comment: This variant inserts 1 nucleotide in exon 11 of the BRCA2 gene, creating a frameshift and premature translation stop signal. This variant is also known as 6158insT according to the BIC nomenclature. This variant is expected to result in an absent or non-functional protein product. To our knowledge, functional studies have not been reported for this variant. This variant has been reported in individuals affected with pancreatic cancer (PMID: 8968085) and breast cancer (PMID: 27553368). This variant has not been identified in the general population by the Genome Aggregation Database (gnomAD). Loss of BRCA2 function is a known mechanism of disease. Based on the available evidence, this variant is classified as Pathogenic.

Consortium of Investigators of Modifiers of BRCA1/2 (CIMBA), c/o University of Cambridge
Classification: Pathogenic for Breast-ovarian cancer, familial, susceptibility to, 2. Last evaluated: 2015-10-02. Review status: criteria provided, single submitter. Criteria: CIMBA Mutation Classification guidelines May 2016. Collection method: clinical testing. Allele origin: germline. Not counted in ClinVar's aggregate classification.

Research Molecular Genetics Laboratory, Women's College Hospital, University of Toronto
Classification: Pathogenic for Hereditary breast ovarian cancer syndrome. Last evaluated: 2014-01-31. Review status: no assertion criteria provided. Collection method: research. Allele origin: germline. Affected: yes. Study: The Canadian Open Genetics Repository (COGR). Not counted in ClinVar's aggregate classification.

Breast Cancer Information Core (BIC) (BRCA2)
Classification: Pathogenic for Breast-ovarian cancer, familial 2. Last evaluated: 2004-02-20. Review status: no assertion criteria provided. Collection method: clinical testing. Allele origin: germline. Affected: yes. Observed: 1 variant allele. Not counted in ClinVar's aggregate classification.

Literature cited by the submitters: PubMed 27553368 (cited by 3 submitters); PubMed 8968085 (cited by 3 submitters); PubMed 29446198 (cited by Quest Diagnostics Nichols Institute San Juan Capistrano and Ambry Genetics); PubMed 20104584 (cited by Labcorp Genetics (formerly Invitae), Labcorp).

NM_000059.4(BRCA2):c.5934dup (p.Ser1979Ter)

Gene: BRCA2 (BRCA2 DNA repair associated; plus strand). Cytogenetic location: 13q13.1.
Variant type: Duplication.
Coding change: c.5934dup on transcript NM_000059.4 (MANE Select); coding-DNA position 5934, one base duplicated (T; older notation c.5934dupT).
Protein change: p.Ser1979Ter; replaces serine 1979 with a stop codon.
Molecular consequence: nonsense.
Genome position (GRCh38, 1-based): chr13:32,340,289, T duplicated; the last of 5 consecutive T bases (chr13:32,340,285-32,340,289); duplicating any one gives the same sequence. VCF-style (leftmost placement, unchanged base first): chr13-32340284-A-AT. GRCh37 (hg19) VCF-style: chr13-32914421-A-AT.
Other names: 6158insT; c.5934dupT (NM_000059.3); short protein forms S1979*.
Identifiers: ClinVar variation 184841 (VCV000184841.23), dbSNP rs80359548, ClinGen allele CA023382.
Genomic context (GRCh38, chr13:32,340,284, plus strand): 5'-ATATGTAAATGTAGTATAGGGAAGCTTCATAAGTCAGTCTCATCTGCAAATACTTGTGGG[A>AT]TTTTTAGCACAGCAAGTGGAAAATCTGTCCAGGTATCAGATGCTTCATTACAAAACGCAA-3'